The following is an entry in ClinVar:

ClinVar aggregate classification (germline): Benign/Likely benign. Review status: criteria provided, multiple submitters, no conflicts (2 of 4 stars). 4 submissions from 4 submitters: Benign (1); Likely benign (2). 1 of the submissions does not count toward it. Last evaluated 2026-02-01.

Conditions:
GUCY2C-related disorder. Also called: GUCY2C-related condition.

Allele frequency attached by ClinVar (database versions not stated): gnomAD exomes 0.00048 and 0.00100; gnomAD 0.00065 and 0.00066; TOPMed 0.00071; ExAC 0.00072; ESP Exome Variant Server 0.00085.
gnomAD v4.1: 867 of 1,609,802 alleles (0.054%); highest among the groups gnomAD compares: Admixed American, 0.022%; 12 homozygotes.

Submissions (4):

Labcorp Genetics (formerly Invitae), Labcorp
Classification: Likely benign. Last evaluated: 2026-02-01. Review status: criteria provided, single submitter. Criteria: Invitae Variant Classification Sherloc (09022015). Collection method: clinical testing. Allele origin: germline.

Laboratory of Genetics, Children's Clinical University Hospital Latvia
Classification: Benign. Last evaluated: 2025-02-16. Review status: criteria provided, single submitter. Criteria: ACMG Guidelines, 2015. Collection method: clinical testing. Allele origin: germline. Affected: yes.

Blueprint Genetics
Classification: Likely benign. Last evaluated: 2024-11-18. Review status: criteria provided, single submitter. Criteria: ACMG Guidelines, 2015. Collection method: clinical testing. Allele origin: germline.

PreventionGenetics, part of Exact Sciences
Classification: Likely benign for GUCY2C-related condition. Last evaluated: 2020-07-28. Review status: no assertion criteria provided. Collection method: clinical testing. Allele origin: germline. Not counted in ClinVar's aggregate classification.
Comment: This variant is classified as likely benign based on ACMG/AMP sequence variant interpretation guidelines (Richards et al. 2015 PMID: 25741868, with internal and published modifications).

NM_004963.4(GUCY2C):c.2604G>A (p.Val868=)

Gene: GUCY2C (guanylate cyclase 2C; minus strand). Cytogenetic location: 12p12.3.
Variant type: single nucleotide variant.
Coding change: c.2604G>A on transcript NM_004963.4 (MANE Select); coding-DNA position 2604, G replaced by A.
Protein change: p.Val868=; no amino-acid change (valine 868 retained).
Molecular consequence: synonymous variant.
Genome position (GRCh38, 1-based): chr12:14,621,214, C>T on the plus strand (G>A on the coding strand, the complement: GUCY2C is on the minus strand). VCF-style: chr12-14621214-C-T. GRCh37 (hg19) VCF-style: chr12-14774148-C-T.
Identifiers: ClinVar variation 728491 (VCV000728491.12), dbSNP rs148469869, ClinGen allele CA6463023.